The following is an entry in ClinVar:

NM_017617.5(NOTCH1):c.1555+5G>A

Gene: NOTCH1 (notch receptor 1; minus strand). Cytogenetic location: 9q34.3.
Variant type: single nucleotide variant.
Coding change: c.1555+5G>A on transcript NM_017617.5 (MANE Select); 5 bases into the intron after coding-DNA position 1555, G replaced by A.
Molecular consequence: intron variant.
Genome position (GRCh38, 1-based): chr9:136,517,267, C>T on the plus strand (G>A on the coding strand, the complement: NOTCH1 is on the minus strand). VCF-style: chr9-136517267-C-T. GRCh37 (hg19) VCF-style: chr9-139411719-C-T.
Identifiers: ClinVar variation 2740128 (VCV002740128.4), dbSNP rs2540459569, ClinGen allele CA2692641581.

ClinVar aggregate classification (germline): Uncertain significance. Review status: criteria provided, multiple submitters, no conflicts (2 of 4 stars). 2 submissions from 2 submitters: Uncertain significance (2). Last evaluated 2023-07-16.

Conditions:
Adams-Oliver syndrome 5 (AOS5). Identifiers: Orphanet 974, MedGen C4014970, MONDO:0014459, OMIM 616028.

Submissions (2):

Labcorp Genetics (formerly Invitae), Labcorp
Classification: Uncertain significance for Adams-Oliver syndrome 5. Last evaluated: 2023-07-16. Review status: criteria provided, single submitter. Criteria: Invitae Variant Classification Sherloc (09022015). Collection method: clinical testing. Allele origin: germline.
Comment: In summary, the available evidence is currently insufficient to determine the role of this variant in disease. Therefore, it has been classified as a Variant of Uncertain Significance. Variants that disrupt the consensus splice site are a relatively common cause of aberrant splicing (PMID: 17576681, 9536098). Algorithms developed to predict the effect of sequence changes on RNA splicing suggest that this variant may create or strengthen a splice site. This variant has not been reported in the literature in individuals affected with NOTCH1-related conditions. This variant is not present in population databases (gnomAD no frequency). This sequence change falls in intron 9 of the NOTCH1 gene. It does not directly change the encoded amino acid sequence of the NOTCH1 protein. It affects a nucleotide within the consensus splice site.

Blueprint Genetics
Classification: Uncertain significance. Last evaluated: 2022-02-23. Review status: criteria provided, single submitter. Criteria: ACMG Guidelines, 2015. Collection method: clinical testing. Allele origin: germline.

Literature cited by the submitters: PubMed 17576681 (cited by Labcorp Genetics (formerly Invitae), Labcorp); PubMed 9536098 (cited by Labcorp Genetics (formerly Invitae), Labcorp).